The following is an entry in ClinVar:

NM_001377137.1(GBF1):c.5294G>C (p.Gly1765Ala)

Gene: GBF1 (golgi brefeldin A resistant guanine nucleotide exchange factor 1; plus strand). Cytogenetic location: 10q24.32.
Variant type: single nucleotide variant.
Coding change: c.5294G>C on transcript NM_001377137.1 (MANE Select); coding-DNA position 5294, G replaced by C.
Protein change: p.Gly1765Ala; replaces glycine 1765 with alanine.
Molecular consequence: missense variant. On other transcripts: non-coding transcript variant (5), intron variant (1).
Genome position (GRCh38, 1-based): chr10:102,381,247, G>C. VCF-style: chr10-102381247-G-C. GRCh37 (hg19) VCF-style: chr10-104141004-G-C.
Other names: c.5282G>C, p.Gly1761Ala (NM_001199378.2, NM_001391923.1); c.5279G>C, p.Gly1760Ala (NM_001199379.2, NM_001391924.1); c.5243G>C, p.Gly1748Ala (NM_001377138.1); c.4997G>C, p.Gly1666Ala (NM_001377139.1, NM_001391930.1); c.4985G>C, p.Gly1662Ala (NM_001377140.1); c.5291G>C, p.Gly1764Ala (NM_001377141.1, NM_004193.3); c.5378G>C, p.Gly1793Ala (NM_001391922.1); c.5255G>C, p.Gly1752Ala (NM_001391925.1); and 5 more; short protein forms G1634A, G1662A, G1666A, G1681A, G1713A, G1748A, G1749A, G1752A.
Identifiers: ClinVar variation 1697221 (VCV001697221.2), dbSNP rs2135389366, ClinGen allele CA377893755.

ClinVar aggregate classification (germline): Uncertain significance (1 of 4 stars; one submission).

Conditions:
Charcot-Marie-Tooth Disease, axonal, type 2GG (CMT2GG). Also called: Charcot-Marie-Tooth disease dominant intermediate II; Charcot-Marie-Tooth neuropathy, type 2GG; Charcot-Marie-Tooth neuropathy, axonal, type 2GG. Identifiers: Orphanet 100043, MedGen C5561933, MONDO:0011675, OMIM 606483.

Submission:

Center for Human Genetics and Genomic Medicine, Uniklinik Rwth Aachen
Classification: Uncertain significance for Charcot-Marie-Tooth Disease, axonal, type 2GG. Last evaluated: 2022-03-21. Review status: criteria provided, single submitter. Criteria: ACMG Guidelines, 2015. Collection method: clinical testing. Allele origin: unknown. Affected: yes.
Comment: The variant is absent from control databases (gnomAD v2.1.1). To our knowledge, it has not yet been reported in individuals with CMT. Therefore, the variant was classified as "variant of uncertain significance".